The following is an entry in ClinVar:

ClinVar aggregate classification (germline): Benign. Review status: criteria provided, multiple submitters, no conflicts (2 of 4 stars). 3 submissions from 3 submitters: Benign (2). 1 of the submissions does not count toward it. Last evaluated 2014-04-15.

Submissions (3):

GeneDx
Classification: Benign. Last evaluated: 2014-04-15. Review status: criteria provided, single submitter. Criteria: GeneDx Variant Classification (06012015). Collection method: clinical testing. Allele origin: germline. Affected: yes.
Comment: This variant is considered likely benign or benign based on one or more of the following criteria: it is a conservative change, it occurs at a poorly conserved position in the protein, it is predicted to be benign by multiple in silico algorithms, and/or has population frequency not consistent with disease.

PreventionGenetics, part of Exact Sciences
Classification: Benign. Review status: criteria provided, single submitter. Criteria: ACMG Guidelines, 2015. Collection method: clinical testing. Allele origin: germline.

Laboratory for Molecular Medicine, Mass General Brigham Personalized Medicine
Classification: Benign. Last evaluated: 2008-10-07. Review status: no assertion criteria provided. Collection method: clinical testing. Allele origin: germline. Observed: 66 variant alleles. Not counted in ClinVar's aggregate classification.

NM_002755.4(MAP2K1):c.-31dup

Genes: MAP2K1 (mitogen-activated protein kinase kinase 1; plus strand), LOC130057340 (ATAC-STARR-seq lymphoblastoid silent region 6564; plus strand). Cytogenetic location: 15q22.31.
Variant type: Duplication.
Coding change: c.-31dup on transcript NM_002755.4 (MANE Select); 31 bases upstream of the start codon, one base duplicated (C; older notation c.-31dupC).
Genome position (GRCh38, 1-based): chr15:66,387,317, C duplicated; the last of 6 consecutive C bases (chr15:66,387,312-66,387,317); duplicating any one gives the same sequence. VCF-style (leftmost placement, unchanged base first): chr15-66387311-T-TC. GRCh37 (hg19) VCF-style: chr15-66679649-T-TC.
Other names: c.-31dupC (NM_002755.3).
Identifiers: ClinVar variation 40710 (VCV000040710.5), dbSNP rs730880340, ClinGen allele CA180850.
Genomic context (GRCh38, chr15:66,387,311, plus strand): 5'-ACTTGGTCCTGCGCAGCGGGCGCGGGGCAGCGCAGCGGGAGGAAGCGAGAGGTGCTGCCC[T>TC]CCCCCCGGAGTTGGAAGCGCGTTACCCGGGTCCAAAATGCCCAAGAAGAAGCCGACGCCC-3'